The following is an entry in ClinVar:

ClinVar aggregate classification (germline): Uncertain significance (1 of 4 stars; one submission).

Submission:

Labcorp Genetics (formerly Invitae), Labcorp
Classification: Uncertain significance. Last evaluated: 2024-09-29. Review status: criteria provided, single submitter. Criteria: Invitae Variant Classification Sherloc (09022015). Collection method: clinical testing. Allele origin: germline.
Comment: This sequence change replaces leucine, which is neutral and non-polar, with valine, which is neutral and non-polar, at codon 1761 of the NYNRIN protein (p.Leu1761Val). This variant is not present in population databases (gnomAD no frequency). This variant has not been reported in the literature in individuals affected with NYNRIN-related conditions. An algorithm developed to predict the effect of missense changes on protein structure and function outputs the following: PolyPhen-2: "Not Available". The valine amino acid residue is found in multiple mammalian species, which suggests that this missense change does not adversely affect protein function. In summary, the available evidence is currently insufficient to determine the role of this variant in disease. Therefore, it has been classified as a Variant of Uncertain Significance.

NM_025081.3(NYNRIN):c.5281C>G (p.Leu1761Val)

Gene: NYNRIN (NYN domain and retroviral integrase containing; plus strand). Cytogenetic location: 14q12.
Variant type: single nucleotide variant.
Coding change: c.5281C>G on transcript NM_025081.3 (MANE Select); coding-DNA position 5281, C replaced by G.
Protein change: p.Leu1761Val; replaces leucine 1761 with valine.
Molecular consequence: missense variant.
Genome position (GRCh38, 1-based): chr14:24,417,030, C>G. VCF-style: chr14-24417030-C-G. GRCh37 (hg19) VCF-style: chr14-24886236-C-G.
Other names: short protein forms L1761V.
Identifiers: ClinVar variation 3631956 (VCV003631956.2).
Genomic context (GRCh38, chr14:24,417,030, plus strand): 5'-CTGCCTTTGCTGCACCTGGCCTTCAGGGCCTCCTCCACTGATGCCACACCGTTCAAGGTC[C>G]TGACCGGGGGTGAGTCAAGGCTCACGGAGCCCCTGTGGTGGGAGATGAGCAGCGCAAACA-3'
Protein context (NP_079357.2, residues 1751-1771): SSTDATPFKV[Leu1761Val]TGGESRLTEP